The following is an entry in ClinVar:

NM_003954.5(MAP3K14):c.115G>A (p.Val39Ile)

Gene: MAP3K14 (mitogen-activated protein kinase kinase kinase 14; minus strand). Cytogenetic location: 17q21.31.
Variant type: single nucleotide variant.
Coding change: c.115G>A on transcript NM_003954.5 (MANE Select); coding-DNA position 115, G replaced by A.
Protein change: p.Val39Ile; replaces valine 39 with isoleucine.
Molecular consequence: missense variant.
Genome position (GRCh38, 1-based): chr17:45,290,631, C>T on the plus strand (G>A on the coding strand, the complement: MAP3K14 is on the minus strand). VCF-style: chr17-45290631-C-T. GRCh37 (hg19) VCF-style: chr17-43367997-C-T.
Other names: c.115G>A, p.Val39Ile (LRG_1222t1); short protein forms V39I.
Identifiers: ClinVar variation 569074 (VCV000569074.8), dbSNP rs571893035, ClinGen allele CA8614449.

ClinVar aggregate classification (germline): Uncertain significance (1 of 4 stars; one submission).

Conditions:
NIK deficiency. Also called: Primary immunodeficiency with multifaceted aberrant lymphoid immunity. Identifiers: Orphanet 447731, MedGen C5680065, MONDO:0018642.

Allele frequency attached by ClinVar (database versions not stated): gnomAD 0.00001 and 0.00003; ExAC 0.00004; gnomAD exomes 0.00004 and 0.00006; TOPMed 0.00004; 1000 Genomes Project 30x 0.00031; 1000 Genomes Project 0.00040.
gnomAD v4.1: 62 of 1,613,678 alleles (0.0038%); highest among the groups gnomAD compares: East Asian, 0.031%; no homozygotes.

Submission:

Labcorp Genetics (formerly Invitae), Labcorp
Classification: Uncertain significance for NIK deficiency. Last evaluated: 2024-11-18. Review status: criteria provided, single submitter. Criteria: Invitae Variant Classification Sherloc (09022015). Collection method: clinical testing. Allele origin: germline.
Comment: This sequence change replaces valine, which is neutral and non-polar, with isoleucine, which is neutral and non-polar, at codon 39 of the MAP3K14 protein (p.Val39Ile). This variant is present in population databases (rs571893035, gnomAD 0.03%). This variant has not been reported in the literature in individuals affected with MAP3K14-related conditions. ClinVar contains an entry for this variant (Variation ID: 569074). An algorithm developed to predict the effect of missense changes on protein structure and function outputs the following: PolyPhen-2: "Not Available". The isoleucine amino acid residue is found in multiple mammalian species, which suggests that this missense change does not adversely affect protein function. In summary, the available evidence is currently insufficient to determine the role of this variant in disease. Therefore, it has been classified as a Variant of Uncertain Significance.